The following is an entry in ClinVar:

NM_004304.5(ALK):c.3635G>C (p.Arg1212Pro)

Gene: ALK (ALK receptor tyrosine kinase; minus strand). Cytogenetic location: 2p23.2.
Variant type: single nucleotide variant.
Coding change: c.3635G>C on transcript NM_004304.5 (MANE Select); coding-DNA position 3635, G replaced by C.
Protein change: p.Arg1212Pro; replaces arginine 1212 with proline.
Molecular consequence: missense variant.
Genome position (GRCh38, 1-based): chr2:29,220,716, C>G on the plus strand (G>C on the coding strand, the complement: ALK is on the minus strand). VCF-style: chr2-29220716-C-G. GRCh37 (hg19) VCF-style: chr2-29443582-C-G.
Other names: c.431G>C, p.Arg144Pro (NM_001353765.2); short protein forms R1212P, R144P.
Identifiers: ClinVar variation 470838 (VCV000470838.14), dbSNP rs143790259, ClinGen allele CA1593840.

ClinVar aggregate classification (germline): Uncertain significance. Review status: criteria provided, multiple submitters, no conflicts (2 of 4 stars). 3 submissions from 3 submitters: Uncertain significance (3). Last evaluated 2025-12-18.

Conditions:
Neuroblastoma, susceptibility to, 3. Also called: ALK-Related Neuroblastic Tumor Susceptibility. Identifiers: Orphanet 635, MedGen C2751681, MONDO:0013083, OMIM 613014.
Hereditary cancer-predisposing syndrome. Also called: Hereditary neoplastic syndrome; Neoplastic Syndromes, Hereditary; Tumor predisposition; Hereditary Cancer Syndrome. Identifiers: Orphanet 140162, MedGen C0027672, MeSH D009386, MONDO:0015356.

Allele frequency attached by ClinVar (database versions not stated): ExAC 0.00001; TOPMed 0.00001.
gnomAD v4.1: 3 of 1,613,550 alleles (0.00019%); highest among the groups gnomAD compares: Admixed American, 0.005%; no homozygotes.

Submissions (3):

Labcorp Genetics (formerly Invitae), Labcorp
Classification: Uncertain significance for Neuroblastoma, susceptibility to, 3. Last evaluated: 2025-12-18. Review status: criteria provided, single submitter. Criteria: Invitae Variant Classification Sherloc (09022015). Collection method: clinical testing. Allele origin: germline.
Comment: This sequence change replaces arginine, which is basic and polar, with proline, which is neutral and non-polar, at codon 1212 of the ALK protein (p.Arg1212Pro). This variant is present in population databases (rs143790259, gnomAD 0.003%). This variant has not been reported in the literature in individuals affected with ALK-related conditions. ClinVar contains an entry for this variant (Variation ID: 470838). An algorithm developed to predict the effect of missense changes on protein structure and function (PolyPhen-2) suggests that this variant is likely to be disruptive. In summary, the available evidence is currently insufficient to determine the role of this variant in disease. Therefore, it has been classified as a Variant of Uncertain Significance.

Ambry Genetics
Classification: Uncertain significance for Hereditary cancer-predisposing syndrome. Last evaluated: 2025-06-17. Review status: criteria provided, single submitter. Criteria: Ambry Variant Classification Scheme 2023. Collection method: clinical testing. Allele origin: germline.
Comment: The p.R1212P variant (also known as c.3635G>C), located in coding exon 23 of the ALK gene, results from a G to C substitution at nucleotide position 3635. The arginine at codon 1212 is replaced by proline, an amino acid with dissimilar properties. This amino acid position is highly conserved in available vertebrate species. In addition, the in silico prediction for this alteration is inconclusive. Based on the available evidence, the clinical significance of this variant remains unclear.

Baylor Genetics
Classification: Uncertain significance for Neuroblastoma, susceptibility to, 3. Last evaluated: 2024-03-03. Review status: criteria provided, single submitter. Criteria: ACMG Guidelines, 2015. Collection method: clinical testing. Allele origin: unknown.